The following is an entry in ClinVar:

NM_003611.3(OFD1):c.1005A>G (p.Ile335Met)

Gene: OFD1 (OFD1 centriole and centriolar satellite protein; plus strand). Cytogenetic location: Xp22.2.
Variant type: single nucleotide variant.
Coding change: c.1005A>G on transcript NM_003611.3 (MANE Select); coding-DNA position 1005, A replaced by G.
Protein change: p.Ile335Met; replaces isoleucine 335 with methionine.
Molecular consequence: missense variant. On other transcripts: intron variant (1).
Genome position (GRCh38, 1-based): chrX:13,751,318, A>G. VCF-style: chrX-13751318-A-G. GRCh37 (hg19) VCF-style: chrX-13769437-A-G.
Other names: c.585A>G, p.Ile195Met (NM_001330210.2); c.935+1785A>G (NM_001330209.2); short protein forms I195M, I335M.
Identifiers: ClinVar variation 2076436 (VCV002076436.4), dbSNP rs2518868544, ClinGen allele CA412339857.

ClinVar aggregate classification (germline): Uncertain significance (1 of 4 stars; one submission).

Conditions:
Joubert syndrome. Also called: CEREBELLOPARENCHYMAL DISORDER IV; JOUBERT-BOLTSHAUSER SYNDROME; Familial aplasia of the vermis. Identifiers: Orphanet 475, MedGen C5979921, MONDO:0018772.
Orofaciodigital syndrome I (OFD1). Also called: OFDS I; Papillon-Leage and Psaume Syndrome; Oral-Facial-Digital Syndrome Type I. Identifiers: Orphanet 2750, MedGen C1510460, MONDO:0010702, OMIM 311200.

Allele frequency attached by ClinVar (database versions not stated): gnomAD exomes below 0.00001.
gnomAD v4.1: 1 of 1,204,864 alleles (0.000083%); highest among the groups gnomAD compares: Non-Finnish European, 0.00011%; no homozygotes.

Submission:

Labcorp Genetics (formerly Invitae), Labcorp
Classification: Uncertain significance for Orofaciodigital syndrome I; Joubert syndrome. Last evaluated: 2024-02-24. Review status: criteria provided, single submitter. Criteria: Invitae Variant Classification Sherloc (09022015). Collection method: clinical testing. Allele origin: germline.
Comment: This sequence change replaces isoleucine, which is neutral and non-polar, with methionine, which is neutral and non-polar, at codon 335 of the OFD1 protein (p.Ile335Met). This variant is not present in population databases (gnomAD no frequency). This variant has not been reported in the literature in individuals affected with OFD1-related conditions. ClinVar contains an entry for this variant (Variation ID: 2076436). Advanced modeling of protein sequence and biophysical properties (such as structural, functional, and spatial information, amino acid conservation, physicochemical variation, residue mobility, and thermodynamic stability) performed at Invitae indicates that this missense variant is not expected to disrupt OFD1 protein function with a negative predictive value of 80%. In summary, the available evidence is currently insufficient to determine the role of this variant in disease. Therefore, it has been classified as a Variant of Uncertain Significance.